The following is an entry in ClinVar:

ClinVar aggregate classification (germline): Uncertain significance (1 of 4 stars; one submission).

Conditions:
Progressive sclerosing poliodystrophy (MTDPS4A). Also called: ALPERS PROGRESSIVE INFANTILE POLIODYSTROPHY; NEURONAL DEGENERATION OF CHILDHOOD WITH LIVER DISEASE, PROGRESSIVE; Alpers Syndrome; ALPERS DIFFUSE DEGENERATION OF CEREBRAL GRAY MATTER WITH HEPATIC CIRRHOSIS; Alpers-Huttenlocher Syndrome; Mitochondrial DNA depletion syndrome 4A (Alpers type). Identifiers: Orphanet 726, MedGen C0205710, MONDO:0008758, OMIM 203700.

gnomAD v4.1: 9 of 1,534,638 alleles (0.00059%); highest among the groups gnomAD compares: South Asian, 0.01%; no homozygotes.

Submission:

Labcorp Genetics (formerly Invitae), Labcorp
Classification: Uncertain significance for Progressive sclerosing poliodystrophy. Last evaluated: 2024-04-01. Review status: criteria provided, single submitter. Criteria: Invitae Variant Classification Sherloc (09022015). Collection method: clinical testing. Allele origin: germline.
Comment: This sequence change falls in intron 12 of the POLG gene. It does not directly change the encoded amino acid sequence of the POLG protein. This variant is present in population databases (rs751353796, gnomAD 0.02%). This variant has not been reported in the literature in individuals affected with POLG-related conditions. Algorithms developed to predict the effect of sequence changes on RNA splicing suggest that this variant may disrupt the consensus splice site. In summary, the available evidence is currently insufficient to determine the role of this variant in disease. Therefore, it has been classified as a Variant of Uncertain Significance.

NM_002693.3(POLG):c.2158-14T>C

Gene: POLG (DNA polymerase gamma, catalytic subunit; minus strand). Cytogenetic location: 15q26.1.
Variant type: single nucleotide variant.
Coding change: c.2158-14T>C on transcript NM_002693.3 (MANE Select); 14 bases into the intron before coding-DNA position 2158, T replaced by C.
Molecular consequence: intron variant.
Genome position (GRCh38, 1-based): chr15:89,323,525, A>G on the plus strand (T>C on the coding strand, the complement: POLG is on the minus strand). VCF-style: chr15-89323525-A-G. GRCh37 (hg19) VCF-style: chr15-89866756-A-G.
Other names: c.2158-14T>C (NM_001126131.2).
Identifiers: ClinVar variation 3604166 (VCV003604166.2).